The following is an entry in ClinVar:

ClinVar aggregate classification (germline): Likely benign (1 of 4 stars; one submission).

Allele frequency attached by ClinVar (database versions not stated): ExAC 0.00005; gnomAD exomes 0.00006; TOPMed 0.00006; gnomAD 0.00007; ESP Exome Variant Server 0.00009.
gnomAD v4.1: 74 of 1,209,184 alleles (0.0061%); highest among the groups gnomAD compares: East Asian, 0.018%; no homozygotes.

Submission:

CeGaT Center for Human Genetics Tuebingen
Classification: Likely benign. Last evaluated: 2023-11-01. Review status: criteria provided, single submitter. Criteria: CeGaT Center For Human Genetics Tuebingen Variant Classification Criteria Version 2. Collection method: clinical testing. Allele origin: germline. Affected: yes. Observed: 1 variant allele.
Comment: PHKA2: BP4, BP7, BS2

NM_000292.3(PHKA2):c.2442C>T (p.Ala814=)

Gene: PHKA2 (phosphorylase kinase regulatory subunit alpha 2; minus strand). Cytogenetic location: Xp22.13.
Variant type: single nucleotide variant.
Coding change: c.2442C>T on transcript NM_000292.3 (MANE Select); coding-DNA position 2442, C replaced by T.
Protein change: p.Ala814=; no amino-acid change (alanine 814 retained).
Molecular consequence: synonymous variant.
Genome position (GRCh38, 1-based): chrX:18,907,975, G>A on the plus strand (C>T on the coding strand, the complement: PHKA2 is on the minus strand). VCF-style: chrX-18907975-G-A. GRCh37 (hg19) VCF-style: chrX-18926093-G-A.
Identifiers: ClinVar variation 2660112 (VCV002660112.24), dbSNP rs139012270, ClinGen allele CA10361639.